The following is an entry in ClinVar:

ClinVar aggregate classification (germline): Pathogenic (1 of 4 stars; one submission).

Conditions:
Niemann-Pick disease, type B. Also called: Chronic Visceral ASMD (Niemann-Pick Disease Type B; NPD-B). Identifiers: Orphanet 77293, MedGen C0268243, MONDO:0011871, OMIM 607616. Disease mechanism: loss of function.
Niemann-Pick disease, type A. Also called: SPHINGOMYELIN LIPIDOSIS; SPHINGOMYELINASE DEFICIENCY; Infantile Neurovisceral ASMD (Niemann-Pick Disease Type A; NPD-A). Identifiers: Orphanet 77292, MedGen C0268242, MONDO:0009756, OMIM 257200. Disease mechanism: loss of function.

Submission:

Labcorp Genetics (formerly Invitae), Labcorp
Classification: Pathogenic for Niemann-Pick disease, type B; Niemann-Pick disease, type A. Last evaluated: 2023-10-05. Review status: criteria provided, single submitter. Criteria: Invitae Variant Classification Sherloc (09022015). Collection method: clinical testing. Allele origin: germline.
Comment: This sequence change creates a premature translational stop signal (p.Val409Alafs*9) in the SMPD1 gene. It is expected to result in an absent or disrupted protein product. Loss-of-function variants in SMPD1 are known to be pathogenic (PMID: 12369017, 15221801). This variant is not present in population databases (gnomAD no frequency). This variant has not been reported in the literature in individuals affected with SMPD1-related conditions. For these reasons, this variant has been classified as Pathogenic.

Literature cited by the submitters: PubMed 12369017; PubMed 15221801.

NM_000543.5(SMPD1):c.1222_1225dup (p.Val409fs)

Gene: SMPD1 (sphingomyelin phosphodiesterase 1; plus strand). Cytogenetic location: 11p15.4.
Variant type: Duplication.
Coding change: c.1222_1225dup on transcript NM_000543.5 (MANE Select); coding-DNA positions 1222 to 1225, 4 bases duplicated (CTGG; older notation c.1222_1225dupCTGG).
Protein change: p.Val409fs; shifts the reading frame from valine 409.
Molecular consequence: frameshift variant. On other transcripts: non-coding transcript variant (1), intron variant (1).
Genome position (GRCh38, 1-based): chr11:6,393,346-6,393,349, CTGG duplicated; duplicating any 4 consecutive bases within chr11:6,393,343-6,393,349 gives the same sequence; the c. name uses the placement nearest the transcript's 3' end. VCF-style (leftmost placement, unchanged base first): chr11-6393342-G-GTGGC. GRCh37 (hg19) VCF-style: chr11-6414572-G-GTGGC.
Other names: c.1219_1222dup, p.Val408fs (NM_001007593.3); c.1222_1225dup, p.Val409fs (NM_001318087.2); c.301_304dup, p.Val102fs (NM_001318088.2); c.1132-271_1132-268dup (NM_001365135.2); short protein forms V102fs, V409fs, V408fs.
Identifiers: ClinVar variation 2952535 (VCV002952535.3), dbSNP rs2493814313, ClinGen allele CA2740093607.
Genomic context (GRCh38, chr11:6,393,342, plus strand): 5'-TTGTTCCCGTGAGAACTTCTGGCTCTTGATCAACTCCACGGATCCCGCAGGACAGCTCCA[G>GTGGC]TGGCTGGTGGGGGAGCTTCAGGCTGCTGAGGATCGAGGAGACAAAGTGAGGGCCAGTAGT-3'